The following is an entry in ClinVar:

NM_000057.4(BLM):c.1196A>T (p.Glu399Val)

Gene: BLM (BLM RecQ like helicase; plus strand). Cytogenetic location: 15q26.1.
Variant type: single nucleotide variant.
Coding change: c.1196A>T on transcript NM_000057.4 (MANE Select); coding-DNA position 1196, A replaced by T.
Protein change: p.Glu399Val; replaces glutamic acid 399 with valine.
Molecular consequence: missense variant.
Genome position (GRCh38, 1-based): chr15:90,760,255, A>T. VCF-style: chr15-90760255-A-T. GRCh37 (hg19) VCF-style: chr15-91303485-A-T.
Other names: c.1196A>T, p.Glu399Val (NM_001287246.2, NM_001287247.2); c.71A>T, p.Glu24Val (NM_001287248.2); short protein forms E399V, E24V.
Identifiers: ClinVar variation 4622824 (VCV004622824.1).

ClinVar aggregate classification (germline): Uncertain significance (1 of 4 stars; one submission).

Conditions:
Hereditary cancer-predisposing syndrome. Also called: Neoplastic Syndromes, Hereditary; Tumor predisposition; Hereditary Cancer Syndrome; Hereditary neoplastic syndrome. Identifiers: Orphanet 140162, MedGen C0027672, MeSH D009386, MONDO:0015356.

gnomAD v4.1: 1 of 1,614,144 alleles (0.000062%); highest among the groups gnomAD compares: Non-Finnish European, 0.000085%; no homozygotes.

Submission:

Ambry Genetics
Classification: Uncertain significance for Hereditary cancer-predisposing syndrome. Last evaluated: 2025-11-13. Review status: criteria provided, single submitter. Criteria: Ambry Variant Classification Scheme 2023. Collection method: clinical testing. Allele origin: germline.
Comment: The p.E399V variant (also known as c.1196A>T), located in coding exon 5 of the BLM gene, results from an A to T substitution at nucleotide position 1196. The glutamic acid at codon 399 is replaced by valine, an amino acid with dissimilar properties. This amino acid position is conserved. In addition, this alteration is predicted to be tolerated by in silico analysis. Based on the available evidence, the clinical significance of this variant remains unclear.